The following is an entry in ClinVar:

ClinVar aggregate classification (germline): Conflicting classifications of pathogenicity. Review status: criteria provided, conflicting classifications (1 of 4 stars). 2 submissions from 2 submitters: Uncertain significance (1); Likely benign (1). Last evaluated 2025-09-10.

Conditions:
Intellectual developmental disorder, autosomal dominant 6, with or without seizures. Also called: Intellectual disability, autosomal dominant 6; GRIN2B-related developmental delay, intellectual disability and autism spectrum disorder. Identifiers: Orphanet 589547, MedGen C3151411, MONDO:0013509, OMIM 613970.

Submissions (2):

Genomic Medicine Center of Excellence, King Faisal Specialist Hospital and Research Centre
Classification: Likely benign for Intellectual developmental disorder, autosomal dominant 6, with or without seizures. Last evaluated: 2025-09-10. Review status: criteria provided, single submitter. Criteria: ACMG Guidelines, 2015. Collection method: clinical testing. Allele origin: germline.

GeneDx
Classification: Uncertain significance. Last evaluated: 2023-05-28. Review status: criteria provided, single submitter. Criteria: GeneDx Variant Classification Process June 2021. Collection method: clinical testing. Allele origin: germline. Affected: yes.
Comment: Not observed at significant frequency in large population cohorts (gnomAD); In silico analysis supports that this missense variant has a deleterious effect on protein structure/function; Has not been previously published as pathogenic or benign to our knowledge

NM_000834.5(GRIN2B):c.2674A>G (p.Asn892Asp)

Gene: GRIN2B (glutamate ionotropic receptor NMDA type subunit 2B; minus strand). Cytogenetic location: 12p13.1.
Variant type: single nucleotide variant.
Coding change: c.2674A>G on transcript NM_000834.5 (MANE Select); coding-DNA position 2674, A replaced by G.
Protein change: p.Asn892Asp; replaces asparagine 892 with aspartic acid.
Molecular consequence: missense variant.
Genome position (GRCh38, 1-based): chr12:13,564,564, T>C on the plus strand (A>G on the coding strand, the complement: GRIN2B is on the minus strand). VCF-style: chr12-13564564-T-C. GRCh37 (hg19) VCF-style: chr12-13717498-T-C.
Other names: c.2674A>G, p.Asn892Asp (NM_001413992.1); short protein forms N892D.
Identifiers: ClinVar variation 3362084 (VCV003362084.2).